The following is an entry in ClinVar:

ClinVar aggregate classification (germline): Pathogenic (1 of 4 stars; one submission).

Conditions:
Giant axonal neuropathy 1 (GAN1). Also called: GIANT AXONAL NEUROPATHY 1, AUTOSOMAL RECESSIVE; GAN-Related Neurodegeneration. Identifiers: Orphanet 643, MedGen C1850386, MONDO:0009749, OMIM 256850.

Submission:

Labcorp Genetics (formerly Invitae), Labcorp
Classification: Pathogenic for Giant axonal neuropathy 1. Last evaluated: 2020-08-25. Review status: criteria provided, single submitter. Criteria: Invitae Variant Classification Sherloc (09022015). Collection method: clinical testing. Allele origin: germline.
Comment: For these reasons, this variant has been classified as Pathogenic. Loss-of-function variants in GAN are known to be pathogenic (PMID: 12655563, 14718689, 23890932). This variant has not been reported in the literature in individuals with GAN-related conditions. This variant is not present in population databases (ExAC no frequency). This sequence change creates a premature translational stop signal (p.Tyr495*) in the GAN gene. It is expected to result in an absent or disrupted protein product.

Literature cited by the submitters: PubMed 12655563; PubMed 14718689; PubMed 23890932.

NM_022041.4(GAN):c.1485C>A (p.Tyr495Ter)

Gene: GAN (gigaxonin; plus strand). Cytogenetic location: 16q23.2.
Variant type: single nucleotide variant.
Coding change: c.1485C>A on transcript NM_022041.4 (MANE Select); coding-DNA position 1485, C replaced by A.
Protein change: p.Tyr495Ter; replaces tyrosine 495 with a stop codon.
Molecular consequence: nonsense.
Genome position (GRCh38, 1-based): chr16:81,365,461, C>A. VCF-style: chr16-81365461-C-A. GRCh37 (hg19) VCF-style: chr16-81399066-C-A.
Other names: c.846C>A, p.Tyr282Ter (NM_001377486.1); short protein forms Y282*, Y495*.
Identifiers: ClinVar variation 1069107 (VCV001069107.7), dbSNP rs2150691981, ClinGen allele CA396891488.